The following is an entry in ClinVar:

ClinVar aggregate classification (germline): Benign/Likely benign. Review status: criteria provided, multiple submitters, no conflicts (2 of 4 stars). 5 submissions from 5 submitters: Benign (4); Likely benign (1). Last evaluated 2026-01-28.

Conditions:
Upshaw-Schulman syndrome (TTP). Also called: THROMBOTIC THROMBOCYTOPENIC PURPURA, HEREDITARY; Congenital thrombotic thrombocytopenic purpura. Identifiers: Orphanet 93583, MedGen C1268935, MONDO:0010122, OMIM 274150.

Allele frequency attached by ClinVar (database versions not stated): gnomAD 0.01513 and 0.01611; ESP Exome Variant Server 0.01685; TOPMed 0.01691; ExAC 0.00756; 1000 Genomes Project 0.01697; gnomAD exomes 0.00362; 1000 Genomes Project 30x 0.01889.

Submissions (5):

Labcorp Genetics (formerly Invitae), Labcorp
Classification: Benign. Last evaluated: 2026-01-28. Review status: criteria provided, single submitter. Criteria: Invitae Variant Classification Sherloc (09022015). Collection method: clinical testing. Allele origin: germline.

Mayo Clinic Laboratories, Mayo Clinic
Classification: Benign. Last evaluated: 2024-11-06. Review status: criteria provided, single submitter. Criteria: ACMG Guidelines, 2015. Collection method: clinical testing. Allele origin: germline. Observed: 96 variant alleles.
Comment: BA1, BS2, BP4

Mendelics
Classification: Benign for Upshaw-Schulman syndrome. Last evaluated: 2019-05-28. Review status: criteria provided, single submitter. Criteria: Mendelics Assertion Criteria 2017. Collection method: clinical testing. Allele origin: unknown.

Breakthrough Genomics
Classification: Likely benign. Review status: criteria provided, single submitter. Criteria: ACMG Guidelines, 2015. Collection method: not provided. Allele origin: germline. Inheritance: Autosomal recessive inheritance. Affected: yes.

PreventionGenetics, part of Exact Sciences
Classification: Benign. Review status: criteria provided, single submitter. Criteria: ACMG Guidelines, 2015. Collection method: clinical testing. Allele origin: germline.

Literature cited by the submitters: PubMed 22783805 (cited by Mayo Clinic Laboratories, Mayo Clinic); PubMed 28858683 (cited by Mayo Clinic Laboratories, Mayo Clinic); PubMed 30046676 (cited by Mayo Clinic Laboratories, Mayo Clinic).

NM_139027.6(ADAMTS13):c.1368G>T (p.Gln456His)

Gene: ADAMTS13 (ADAM metallopeptidase with thrombospondin type 1 motif 13; plus strand). Cytogenetic location: 9q34.2.
Variant type: single nucleotide variant.
Coding change: c.1368G>T on transcript NM_139027.6 (MANE Select); coding-DNA position 1368, G replaced by T.
Protein change: p.Gln456His; replaces glutamine 456 with histidine.
Molecular consequence: missense variant.
Genome position (GRCh38, 1-based): chr9:133,436,888, G>T. VCF-style: chr9-133436888-G-T. GRCh37 (hg19) VCF-style: chr9-136302008-G-T.
Other names: c.1368G>T, p.Gln456His (NM_139025.5); c.1275G>T, p.Gln425His (NM_139026.6); short protein forms Q456H, Q425H.
Identifiers: ClinVar variation 262426 (VCV000262426.18), dbSNP rs36220239, ClinGen allele CA10587032.